The following is an entry in ClinVar:

NM_006231.4(POLE):c.632T>C (p.Ile211Thr)

Gene: POLE (DNA polymerase epsilon, catalytic subunit; minus strand). Cytogenetic location: 12q24.33.
Variant type: single nucleotide variant.
Coding change: c.632T>C on transcript NM_006231.4 (MANE Select); coding-DNA position 632, T replaced by C.
Protein change: p.Ile211Thr; replaces isoleucine 211 with threonine.
Molecular consequence: missense variant.
Genome position (GRCh38, 1-based): chr12:132,677,666, A>G on the plus strand (T>C on the coding strand, the complement: POLE is on the minus strand). VCF-style: chr12-132677666-A-G. GRCh37 (hg19) VCF-style: chr12-133254252-A-G.
Other names: short protein forms I211T.
Identifiers: ClinVar variation 540705 (VCV000540705.12), dbSNP rs1555229716, ClinGen allele CA387365209.

ClinVar aggregate classification (germline): Uncertain significance. Review status: criteria provided, multiple submitters, no conflicts (2 of 4 stars). 3 submissions from 3 submitters: Uncertain significance (3). Last evaluated 2026-02-16.

Conditions:
Hereditary cancer-predisposing syndrome. Also called: Tumor predisposition; Hereditary Cancer Syndrome; Neoplastic Syndromes, Hereditary; Hereditary neoplastic syndrome. Identifiers: Orphanet 140162, MedGen C0027672, MeSH D009386, MONDO:0015356.

Allele frequency attached by ClinVar (database versions not stated): TOPMed below 0.00001; gnomAD 0.00001; gnomAD exomes 0.00001.
gnomAD v4.1: 16 of 1,614,018 alleles (0.00099%); highest among the groups gnomAD compares: Admixed American, 0.0033%; no homozygotes.

Submissions (3):

Ambry Genetics
Classification: Uncertain significance for Hereditary cancer-predisposing syndrome. Last evaluated: 2026-02-16. Review status: criteria provided, single submitter. Criteria: Ambry Variant Classification Scheme 2023. Collection method: clinical testing. Allele origin: germline.

Labcorp Genetics (formerly Invitae), Labcorp
Classification: Uncertain significance. Last evaluated: 2025-12-09. Review status: criteria provided, single submitter. Criteria: Invitae Variant Classification Sherloc (09022015). Collection method: clinical testing. Allele origin: germline.
Comment: This sequence change replaces isoleucine, which is neutral and non-polar, with threonine, which is neutral and polar, at codon 211 of the POLE protein (p.Ile211Thr). This variant is not present in population databases (gnomAD no frequency). This variant has not been reported in the literature in individuals affected with POLE-related conditions. ClinVar contains an entry for this variant (Variation ID: 540705). Invitae Evidence Modeling of protein sequence and biophysical properties (such as structural, functional, and spatial information, amino acid conservation, physicochemical variation, residue mobility, and thermodynamic stability) indicates that this missense variant is not expected to disrupt POLE protein function with a negative predictive value of 80%. In summary, the available evidence is currently insufficient to determine the role of this variant in disease. Therefore, it has been classified as a Variant of Uncertain Significance.

GeneDx
Classification: Uncertain significance. Last evaluated: 2022-06-15. Review status: criteria provided, single submitter. Criteria: GeneDx Variant Classification Process June 2021. Collection method: clinical testing. Allele origin: germline. Affected: yes.
Comment: Not observed at significant frequency in large population cohorts (gnomAD); In silico analysis supports that this missense variant does not alter protein structure/function; Has not been previously published as pathogenic or benign to our knowledge